The following is an entry in ClinVar:

ClinVar aggregate classification (germline): Uncertain significance (1 of 4 stars; one submission).

Submission:

GeneDx
Classification: Uncertain significance. Last evaluated: 2023-07-30. Review status: criteria provided, single submitter. Criteria: GeneDx Variant Classification Process June 2021. Collection method: clinical testing. Allele origin: germline. Affected: yes.
Comment: Not observed at significant frequency in large population cohorts (gnomAD); In silico analysis supports a deleterious effect on splicing; Has not been previously published as pathogenic or benign to our knowledge; Variants in candidate genes are classified as variants of uncertain significance in accordance with ACMG guidelines (Richards et al., 2015)

NM_032482.3(DOT1L):c.2691+5G>A

Gene: DOT1L (DOT1 like histone lysine methyltransferase; plus strand). Cytogenetic location: 19p13.3.
Variant type: single nucleotide variant.
Coding change: c.2691+5G>A on transcript NM_032482.3 (MANE Select); 5 bases into the intron after coding-DNA position 2691, G replaced by A.
Molecular consequence: intron variant.
Genome position (GRCh38, 1-based): chr19:2,217,923, G>A. VCF-style: chr19-2217923-G-A. GRCh37 (hg19) VCF-style: chr19-2217922-G-A.
Other names: c.2691+5G>A (NM_001411141.1).
Identifiers: ClinVar variation 3361231 (VCV003361231.1).